The following is an entry in ClinVar:

ClinVar aggregate classification (germline): Benign (1 of 4 stars; one submission).

Allele frequency attached by ClinVar (database versions not stated): 1000 Genomes Project 0.78534; gnomAD 0.75528; TOPMed 0.75048; 1000 Genomes Project 30x 0.78295.
gnomAD v4.1: 626,775 of 868,202 alleles (72%); highest among the groups gnomAD compares: East Asian, 82%; 227,658 homozygotes.

Submission:

GeneDx
Classification: Benign. Last evaluated: 2018-06-19. Review status: criteria provided, single submitter. Criteria: GeneDx Variant Classification (06012015). Collection method: clinical testing. Allele origin: germline. Affected: yes.
Comment: This variant is considered likely benign or benign based on one or more of the following criteria: it is a conservative change, it occurs at a poorly conserved position in the protein, it is predicted to be benign by multiple in silico algorithms, and/or has population frequency not consistent with disease.

NM_001083961.2(WDR62):c.2035-115T>C

Gene: WDR62 (WD repeat domain 62; plus strand). Cytogenetic location: 19q13.12.
Variant type: single nucleotide variant.
Coding change: c.2035-115T>C on transcript NM_001083961.2 (MANE Select); 115 bases into the intron before coding-DNA position 2035, T replaced by C.
Molecular consequence: intron variant.
Genome position (GRCh38, 1-based): chr19:36,091,085, T>C. VCF-style: chr19-36091085-T-C. GRCh37 (hg19) VCF-style: chr19-36581987-T-C.
Other names: c.2035-115T>C (NM_173636.5).
Identifiers: ClinVar variation 670280 (VCV000670280.1), dbSNP rs4806271, ClinGen allele CA14688559.